The following is an entry in ClinVar:

NM_001365951.3(KIF1B):c.2115+7225C>T

Gene: KIF1B (kinesin family member 1B; plus strand). Cytogenetic location: 1p36.22.
Variant type: single nucleotide variant.
Coding change: c.2115+7225C>T on transcript NM_001365951.3 (MANE Select); 7225 bases into the intron after coding-DNA position 2115, C replaced by T.
Molecular consequence: intron variant. On other transcripts: missense variant (2).
Genome position (GRCh38, 1-based): chr1:10,304,471, C>T. VCF-style: chr1-10304471-C-T. GRCh37 (hg19) VCF-style: chr1-10364529-C-T.
Other names: c.3286C>T, p.His1096Tyr (NM_001365953.1, NM_183416.4); c.1977+7225C>T (NM_015074.3); c.2115+7225C>T (NM_001365952.1); short protein forms H1096Y.
Identifiers: ClinVar variation 3388340 (VCV003388340.14).

ClinVar aggregate classification (germline): Uncertain significance (1 of 4 stars; one submission).

gnomAD v4.1: 41 of 1,610,132 alleles (0.0025%); highest among the groups gnomAD compares: Admixed American, 0.037%; no homozygotes.

Submission:

CeGaT Center for Human Genetics Tuebingen
Classification: Uncertain significance. Last evaluated: 2024-10-01. Review status: criteria provided, single submitter. Criteria: CeGaT Center For Human Genetics Tuebingen Variant Classification Criteria Version 2. Collection method: clinical testing. Allele origin: germline. Affected: yes. Observed: 1 variant allele.
Comment: KIF1B: PP2, BP4